The following is an entry in ClinVar:

NM_148919.4(PSMB8):c.100A>G (p.Ser34Gly)

Gene: PSMB8 (proteasome 20S subunit beta 8; minus strand). Cytogenetic location: 6p21.32.
Variant type: single nucleotide variant.
Coding change: c.100A>G on transcript NM_148919.4 (MANE Select); coding-DNA position 100, A replaced by G.
Protein change: p.Ser34Gly; replaces serine 34 with glycine.
Molecular consequence: missense variant. On other transcripts: intron variant (1).
Genome position (GRCh38, 1-based): chr6:32,843,897, T>C on the plus strand (A>G on the coding strand, the complement: PSMB8 is on the minus strand). VCF-style: chr6-32843897-T-C. GRCh37 (hg19) VCF-style: chr6-32811674-T-C.
Other names: c.135+382A>G (NM_004159.5); short protein forms S34G.
Identifiers: ClinVar variation 1062161 (VCV001062161.6), dbSNP rs558277593, ClinGen allele CA3746500.

ClinVar aggregate classification (germline): Uncertain significance (1 of 4 stars; one submission).

Conditions:
Proteasome-associated autoinflammatory syndrome 1 (PRAAS1). Also called: JOINT CONTRACTURES, MUSCULAR ATROPHY, MICROCYTIC ANEMIA, AND PANNICULITIS-INDUCED LIPODYSTROPHY; JMP SYNDROME; AUTOINFLAMMATION, LIPODYSTROPHY, AND DERMATOSIS SYNDROME; NAKAJO-NISHIMURA SYNDROME; CHRONIC ATYPICAL NEUTROPHILIC DERMATOSIS WITH LIPODYSTROPHY AND ELEVATED TEMPERATURE SYNDROME; Nakajo syndrome. Identifiers: Orphanet 2615, Orphanet 324977, Orphanet 324999, Orphanet 325004, MedGen C4746851, MONDO:0054698, OMIM 256040.

Allele frequency attached by ClinVar (database versions not stated): TOPMed 0.00001; gnomAD 0.00002 and 0.00003; gnomAD exomes 0.00003 and 0.00004; ExAC 0.00005; 1000 Genomes Project 30x 0.00016; 1000 Genomes Project 0.00020.
gnomAD v4.1: 24 of 1,612,702 alleles (0.0015%); highest among the groups gnomAD compares: Non-Finnish European, 0.001%; no homozygotes.

Submission:

Labcorp Genetics (formerly Invitae), Labcorp
Classification: Uncertain significance for Proteosome-associated autoinflammatory syndrome. Last evaluated: 2021-08-24. Review status: criteria provided, single submitter. Criteria: Invitae Variant Classification Sherloc (09022015). Collection method: clinical testing. Allele origin: germline.
Comment: This sequence change replaces serine with glycine at codon 34 of the PSMB8 protein (p.Ser34Gly). The serine residue is moderately conserved and there is a small physicochemical difference between serine and glycine. This variant is present in population databases (rs558277593, ExAC 0.02%). This variant has not been reported in the literature in individuals affected with PSMB8-related conditions. Algorithms developed to predict the effect of missense changes on protein structure and function output the following: SIFT: "Tolerated"; PolyPhen-2: "Benign"; Align-GVGD: "Class C0". The glycine amino acid residue is found in multiple mammalian species, which suggests that this missense change does not adversely affect protein function. In summary, the available evidence is currently insufficient to determine the role of this variant in disease. Therefore, it has been classified as a Variant of Uncertain Significance.